The following is an entry in ClinVar:

NM_030667.3(PTPRO):c.712A>T (p.Asn238Tyr)

Gene: PTPRO (protein tyrosine phosphatase receptor type O; plus strand). Cytogenetic location: 12p12.3.
Variant type: single nucleotide variant.
Coding change: c.712A>T on transcript NM_030667.3 (MANE Select); coding-DNA position 712, A replaced by T.
Protein change: p.Asn238Tyr; replaces asparagine 238 with tyrosine.
Molecular consequence: missense variant.
Genome position (GRCh38, 1-based): chr12:15,501,670, A>T. VCF-style: chr12-15501670-A-T. GRCh37 (hg19) VCF-style: chr12-15654604-A-T.
Other names: c.712A>T, p.Asn238Tyr (NM_002848.4); short protein forms N238Y.
Identifiers: ClinVar variation 2642760 (VCV002642760.25), dbSNP rs144976351, ClinGen allele CA6466358.

ClinVar aggregate classification (germline): Likely benign. Review status: criteria provided, multiple submitters, no conflicts (2 of 4 stars). 2 submissions from 2 submitters: Likely benign (2). Last evaluated 2024-06-24.

Conditions:
Nephrotic syndrome, type 6 (NPHS6). Identifiers: Orphanet 656, MedGen C3280100, MONDO:0013619, OMIM 614196.

Allele frequency attached by ClinVar (database versions not stated): gnomAD exomes 0.00017; ExAC 0.00028; TOPMed 0.00045; gnomAD 0.00046; ESP Exome Variant Server 0.00077; 1000 Genomes Project 0.00080; 1000 Genomes Project 30x 0.00094.
gnomAD v4.1: 328 of 1,614,048 alleles (0.02%); highest among the groups gnomAD compares: African/African-American, 0.15%; 1 homozygote.

Submissions (2):

Fulgent Genetics
Classification: Likely benign for Nephrotic syndrome, type 6. Last evaluated: 2024-06-24. Review status: criteria provided, single submitter. Criteria: ACMG Guidelines, 2015. Collection method: clinical testing. Allele origin: germline.

CeGaT Center for Human Genetics Tuebingen
Classification: Likely benign. Last evaluated: 2022-09-01. Review status: criteria provided, single submitter. Criteria: CeGaT Center For Human Genetics Tuebingen Variant Classification Criteria Version 2. Collection method: clinical testing. Allele origin: germline. Affected: yes. Observed: 1 variant allele.
Comment: PTPRO: BS2